The following is an entry in ClinVar:

NM_005120.3(MED12):c.1556G>A (p.Arg519Gln)

Genes: MED12 (mediator complex subunit 12; plus strand), LOC126863275 (BRD4-independent group 4 enhancer GRCh37_chrX:70342400-70343599; plus strand). Cytogenetic location: Xq13.1.
Variant type: single nucleotide variant.
Coding change: c.1556G>A on transcript NM_005120.3 (MANE Select); coding-DNA position 1556, G replaced by A.
Protein change: p.Arg519Gln; replaces arginine 519 with glutamine.
Molecular consequence: missense variant.
Genome position (GRCh38, 1-based): chrX:71,123,165, G>A. VCF-style: chrX-71123165-G-A. GRCh37 (hg19) VCF-style: chrX-70343015-G-A.
Other names: short protein forms R519Q.
Identifiers: ClinVar variation 1310149 (VCV001310149.6), dbSNP rs1323878836, ClinGen allele CA413507435.

ClinVar aggregate classification (germline): Conflicting classifications of pathogenicity. Review status: criteria provided, conflicting classifications (1 of 4 stars). 2 submissions from 2 submitters: Uncertain significance (1); Likely benign (1). Last evaluated 2025-03-10.

Conditions:
FG syndrome (FGS). Identifiers: MedGen C0220769, MONDO:0002010.

Allele frequency attached by ClinVar (database versions not stated): gnomAD exomes below 0.00001 and 0.00001; gnomAD 0.00001.
gnomAD v4.1: 3 of 1,209,430 alleles (0.00025%); highest among the groups gnomAD compares: African/African-American, 0.0035%; no homozygotes.

Submissions (2):

Labcorp Genetics (formerly Invitae), Labcorp
Classification: Likely benign for FG syndrome. Last evaluated: 2025-03-10. Review status: criteria provided, single submitter. Criteria: Invitae Variant Classification Sherloc (09022015). Collection method: clinical testing. Allele origin: germline.

GeneDx
Classification: Uncertain significance. Last evaluated: 2019-11-13. Review status: criteria provided, single submitter. Criteria: GeneDx Variant Classification Process June 2021. Collection method: clinical testing. Allele origin: germline. Affected: yes.
Comment: Not observed at a significant frequency in large population cohorts (Lek et al., 2016); In silico analysis, which includes protein predictors and evolutionary conservation, supports that this variant does not alter protein structure/function; Has not been previously published as pathogenic or benign to our knowledge